The following is an entry in ClinVar:

ClinVar aggregate classification (germline): Uncertain significance (1 of 4 stars; one submission).

gnomAD v4.1: 2 of 1,613,980 alleles (0.00012%); highest among the groups gnomAD compares: South Asian, 0.0011%; no homozygotes.

Submission:

Labcorp Genetics (formerly Invitae), Labcorp
Classification: Uncertain significance. Last evaluated: 2024-02-17. Review status: criteria provided, single submitter. Criteria: Invitae Variant Classification Sherloc (09022015). Collection method: clinical testing. Allele origin: germline.
Comment: This sequence change affects an acceptor splice site in intron 9 of the CARD8 gene. It is expected to disrupt RNA splicing. Variants that disrupt the donor or acceptor splice site typically lead to a loss of protein function (PMID: 16199547), however the current clinical and genetic evidence is not sufficient to establish whether loss-of-function variants in CARD8 cause disease. This variant is not present in population databases (gnomAD no frequency). This variant has not been reported in the literature in individuals affected with CARD8-related conditions. Algorithms developed to predict the effect of sequence changes on RNA splicing suggest that this variant may disrupt the consensus splice site. In summary, the available evidence is currently insufficient to determine the role of this variant in disease. Therefore, it has been classified as a Variant of Uncertain Significance.

Literature cited by the submitters: PubMed 16199547.

NM_001184900.3(CARD8):c.1162-2A>G

Gene: CARD8 (caspase recruitment domain family member 8; minus strand). Cytogenetic location: 19q13.33.
Variant type: single nucleotide variant.
Coding change: c.1162-2A>G on transcript NM_001184900.3 (MANE Select); the canonical splice acceptor site of the intron before coding-DNA position 1162, A replaced by G.
Molecular consequence: splice acceptor variant. On other transcripts: intron variant (7).
Genome position (GRCh38, 1-based): chr19:48,219,014, T>C on the plus strand (A>G on the coding strand, the complement: CARD8 is on the minus strand). VCF-style: chr19-48219014-T-C. GRCh37 (hg19) VCF-style: chr19-48722271-T-C.
Other names: c.847-2A>G (NM_001351787.2, NM_001351784.2); c.846+2716A>G (NM_001351791.2, NM_001351792.2); c.1011+2716A>G (NM_001351788.2, NM_001351789.2); c.826-2A>G (NM_001351786.2); c.1012-2A>G (NM_014959.5, NM_001351783.2, NM_001184901.1); c.918+2716A>G (NM_001351790.2); c.1161+2716A>G (NM_001184902.2, NM_001184903.1); c.1162-2A>G (NM_001351782.2); and 1 more.
Identifiers: ClinVar variation 3670798 (VCV003670798.2).